The following is an entry in ClinVar:

ClinVar aggregate classification (germline): Uncertain significance. Review status: criteria provided, multiple submitters, no conflicts (2 of 4 stars). 2 submissions from 2 submitters: Uncertain significance (2). Last evaluated 2021-11-12.

Conditions:
Catecholaminergic polymorphic ventricular tachycardia 1. Also called: VENTRICULAR TACHYCARDIA, STRESS-INDUCED POLYMORPHIC 1; VENTRICULAR TACHYCARDIA, CATECHOLAMINERGIC POLYMORPHIC, 1, WITH OR WITHOUT ATRIAL DYSFUNCTION AND/OR DILATED CARDIOMYOPATHY; RYR2-Related Catecholaminergic Polymorphic Ventricular Tachycardia. Identifiers: Orphanet 3286, MedGen C1631597, MONDO:0011484, OMIM 604772.
Arrhythmogenic right ventricular dysplasia 2. Identifiers: MedGen C1832931.
Ventricular arrhythmias due to cardiac ryanodine receptor calcium release deficiency syndrome. Also called: Autosomal dominant cardiac arrhythmia (Kuhn). Identifiers: MedGen C5542154, MONDO:0020745, OMIM 115000.

Submissions (2):

Fulgent Genetics
Classification: Uncertain significance for Ventricular arrhythmias due to cardiac ryanodine receptor calcium release deficiency syndrome; Catecholaminergic polymorphic ventricular tachycardia 1. Last evaluated: 2021-11-12. Review status: criteria provided, single submitter. Criteria: ACMG Guidelines, 2015. Collection method: clinical testing. Allele origin: unknown.

Labcorp Genetics (formerly Invitae), Labcorp
Classification: Uncertain significance for Catecholaminergic polymorphic ventricular tachycardia 1. Last evaluated: 2021-07-07. Review status: criteria provided, single submitter. Criteria: Invitae Variant Classification Sherloc (09022015). Collection method: clinical testing. Allele origin: germline.
Comment: This sequence change replaces glycine with arginine at codon 4662 of the RYR2 protein (p.Gly4662Arg). The glycine residue is highly conserved and there is a moderate physicochemical difference between glycine and arginine. This variant is not present in population databases (ExAC no frequency). This variant has not been reported in the literature in individuals affected with RYR2-related conditions. Advanced modeling of protein sequence and biophysical properties (such as structural, functional, and spatial information, amino acid conservation, physicochemical variation, residue mobility, and thermodynamic stability) performed at Invitae indicates that this missense variant is expected to disrupt RYR2 protein function. In summary, the available evidence is currently insufficient to determine the role of this variant in disease. Therefore, it has been classified as a Variant of Uncertain Significance.

NM_001035.3(RYR2):c.13984G>C (p.Gly4662Arg)

Gene: RYR2 (ryanodine receptor 2; plus strand). Cytogenetic location: 1q43.
Variant type: single nucleotide variant.
Coding change: c.13984G>C on transcript NM_001035.3 (MANE Select); coding-DNA position 13984, G replaced by C.
Protein change: p.Gly4662Arg; replaces glycine 4662 with arginine.
Molecular consequence: missense variant.
Genome position (GRCh38, 1-based): chr1:237,798,064, G>C. VCF-style: chr1-237798064-G-C. GRCh37 (hg19) VCF-style: chr1-237961364-G-C.
Other names: short protein forms G4662R.
Identifiers: ClinVar variation 1404674 (VCV001404674.10), dbSNP rs886039213, ClinGen allele CA345419599.